The following is an entry in ClinVar:

NM_201596.3(CACNB2):c.966C>T (p.Thr322=)

Gene: CACNB2 (calcium voltage-gated channel auxiliary subunit beta 2; plus strand). Cytogenetic location: 10p12.31.
Variant type: single nucleotide variant.
Coding change: c.966C>T on transcript NM_201596.3 (MANE Select); coding-DNA position 966, C replaced by T.
Protein change: p.Thr322=; no amino-acid change (threonine 322 retained).
Molecular consequence: synonymous variant.
Genome position (GRCh38, 1-based): chr10:18,527,609, C>T. VCF-style: chr10-18527609-C-T. GRCh37 (hg19) VCF-style: chr10-18816538-C-T.
Other names: c.801C>T, p.Thr267= (NM_000724.4); c.768C>T, p.Thr256= (NM_001167945.2); c.687C>T, p.Thr229= (NM_001330060.2); c.822C>T, p.Thr274= (NM_201570.3); c.882C>T, p.Thr294= (NM_201571.4); c.810C>T, p.Thr270= (NM_201572.4); c.804C>T, p.Thr268= (NM_201590.3); c.852C>T, p.Thr284= (NM_201593.3); and 1 more.
Identifiers: ClinVar variation 1528671 (VCV001528671.11), dbSNP rs199847834, ClinGen allele CA5429859.

ClinVar aggregate classification (germline): Likely benign. Review status: criteria provided, multiple submitters, no conflicts (2 of 4 stars). 3 submissions from 3 submitters: Likely benign (3). Last evaluated 2026-01-27.

Conditions:
CACNB2-related disorder. Also called: CACNB2-related condition.
Brugada syndrome 4 (BRGDA4). Identifiers: Orphanet 130, MedGen C2678477, MONDO:0012743, OMIM 611876.
Cardiovascular phenotype. Identifiers: MedGen CN230736.

Allele frequency attached by ClinVar (database versions not stated): ExAC 0.00002; gnomAD exomes 0.00002; TOPMed 0.00006; gnomAD 0.00007.
gnomAD v4.1: 35 of 1,613,510 alleles (0.0022%); highest among the groups gnomAD compares: Admixed American, 0.01%; no homozygotes.

Submissions (3):

PreventionGenetics, part of Exact Sciences
Classification: Likely benign for CACNB2-related condition. Last evaluated: 2026-01-27. Review status: criteria provided, single submitter. Criteria: ACMG Guidelines, 2015. Collection method: clinical testing. Allele origin: germline.
Comment: This variant is classified as likely benign based on ACMG/AMP sequence variant interpretation guidelines (Richards et al. 2015 PMID: 25741868, with internal and published modifications).

Labcorp Genetics (formerly Invitae), Labcorp
Classification: Likely benign for Brugada syndrome 4. Last evaluated: 2024-02-12. Review status: criteria provided, single submitter. Criteria: Invitae Variant Classification Sherloc (09022015). Collection method: clinical testing. Allele origin: germline.

Ambry Genetics
Classification: Likely benign for Cardiovascular phenotype. Last evaluated: 2020-11-19. Review status: criteria provided, single submitter. Criteria: Ambry Variant Classification Scheme 2023. Collection method: clinical testing. Allele origin: germline.